The following is an entry in ClinVar:

NM_001374828.1(ARID1B):c.627G>A (p.Gln209=)

Genes: ARID1B (AT-rich interaction domain 1B; plus strand), LOC115308161 (uncharacterized LOC115308161; minus strand). Cytogenetic location: 6q25.3.
Variant type: single nucleotide variant.
Coding change: c.627G>A on transcript NM_001374828.1 (MANE Select); coding-DNA position 627, G replaced by A.
Protein change: p.Gln209=; no amino-acid change (glutamine 209 retained).
Molecular consequence: synonymous variant. On other transcripts: non-coding transcript variant (1).
Genome position (GRCh38, 1-based): chr6:156,778,307, G>A. VCF-style: chr6-156778307-G-A. GRCh37 (hg19) VCF-style: chr6-157099441-G-A.
Other names: c.378G>A, p.Gln126= (NM_001346813.1, NM_020732.3); c.627G>A, p.Gln209= (NM_001371656.1, NM_001374820.1, NM_017519.3); c.204G>A, p.Gln68= (NM_175863.2).
Identifiers: ClinVar variation 2028695 (VCV002028695.8), dbSNP rs970100458, ClinGen allele CA452988985.

ClinVar aggregate classification (germline): Likely benign. Review status: criteria provided, multiple submitters, no conflicts (2 of 4 stars). 2 submissions from 2 submitters: Likely benign (2). Last evaluated 2026-03-01.

gnomAD v4.1: 4 of 1,545,286 alleles (0.00026%); highest among the groups gnomAD compares: Admixed American, 0.0059%; 1 homozygote.

Submissions (2):

CeGaT Center for Human Genetics Tuebingen
Classification: Likely benign. Last evaluated: 2026-03-01. Review status: criteria provided, single submitter. Criteria: CeGaT Center For Human Genetics Tuebingen Variant Classification Criteria Version 2. Collection method: clinical testing. Allele origin: germline. Affected: yes. Observed: 1 variant allele.
Comment: ARID1B: BP4, BP7

Labcorp Genetics (formerly Invitae), Labcorp
Classification: Likely benign. Last evaluated: 2024-05-19. Review status: criteria provided, single submitter. Criteria: Invitae Variant Classification Sherloc (09022015). Collection method: clinical testing. Allele origin: germline.